The following is an entry in ClinVar:

ClinVar aggregate classification (germline): Uncertain significance (1 of 4 stars; one submission).

Conditions:
Neurodevelopmental disorder with or without seizures and gait abnormalities. Identifiers: MedGen C4693391, MONDO:0060641, OMIM 617864.

Submission:

Institute for Clinical Genetics, University Hospital TU Dresden, University Hospital TU Dresden
Classification: Uncertain significance for Neurodevelopmental disorder with or without seizures and gait abnormalities. Last evaluated: 2023-10-16. Review status: criteria provided, single submitter. Criteria: ACMG Guidelines, 2015. Collection method: clinical testing. Allele origin: germline. Affected: yes.
Comment: The missense variant in the GRIA4 gene (NM_000829.4:c.2045G>C, p.(Arg682Thr)) leads to an amino acid exchange at position 682 in the corresponding protein by a base exchange at position 2045 of the mRNA. This variant is not previously listed in the ClinVar database. The gene empirically shows increased sensitivity to missense variants (Z-score 3.42). Bioinformatic prediction algorithms estimate the effect of the variant on protein function to be insignificant (REVEL score 0.279), which has not yet been confirmed by functional studies. In the gnomAD database, this variant has not been found in healthy individuals so far. Several missense variants have already been described in an extracellular domain of the protein in a hotspot region (PMID: 35518358, PMID: 29220673), however the alteration found here is several amino acids away from this. According to current ACMG recommendations for variant assessment (PMID 25741868), the criteria PM2_SUP, PP2 and BP4 are fulfilled, resulting in an assessment as a variant of unclear significance (ACMG class 3).

NM_000829.4(GRIA4):c.2045G>C (p.Arg682Thr)

Gene: GRIA4 (glutamate ionotropic receptor AMPA type subunit 4; plus strand). Cytogenetic location: 11q22.3.
Variant type: single nucleotide variant.
Coding change: c.2045G>C on transcript NM_000829.4 (MANE Select); coding-DNA position 2045, G replaced by C.
Protein change: p.Arg682Thr; replaces arginine 682 with threonine.
Molecular consequence: missense variant. On other transcripts: non-coding transcript variant (1), intron variant (2).
Genome position (GRCh38, 1-based): chr11:105,926,938, G>C. VCF-style: chr11-105926938-G-C. GRCh37 (hg19) VCF-style: chr11-105797664-G-C.
Other names: c.2045G>C, p.Arg682Thr (NM_001440387.1, NM_001440391.1, NM_001440392.1 and 10 more transcripts); c.2024G>C, p.Arg675Thr (NM_001440388.1, NM_001440389.1, NM_001440390.1); c.1838G>C, p.Arg613Thr (NM_001440394.1); c.1455+8041G>C (NM_001440398.1); c.1158+21637G>C (NM_001440399.1); short protein forms R613T, R675T, R682T.
Identifiers: ClinVar variation 4850081 (VCV004850081.1).